The following is an entry in ClinVar:

ClinVar aggregate classification (germline): Benign. Review status: criteria provided, multiple submitters, no conflicts (2 of 4 stars). 8 submissions from 8 submitters: Benign (6). 2 of the submissions do not count toward it. Last evaluated 2026-02-03.

Conditions:
Inborn genetic diseases. Identifiers: MedGen C0950123, MeSH D030342.
Benign neonatal seizures. Also called: Benign familial neonatal seizures; Benign familial neonatal epilepsy; Convulsions benign familial neonatal dominant form; Autosomal dominant form of benign neonatal seizures; Benign neonatal familial convulsions. Identifiers: Orphanet 1949, MedGen C0220669, MONDO:0016027.
Seizures, benign familial neonatal, 2. Also called: Seizures, benign neonatal, 2; Benign Neonatal Epilepsy 2; KCNQ3-Related Self-Limited Familial Neonatal Epilepsy (SLFNE); CONVULSIONS, BENIGN FAMILIAL NEONATAL, 2; KCNQ3-Related Benign Familial Neonatal Epilepsy. Identifiers: Orphanet 1949, MedGen C1852581, MONDO:0007366, OMIM 121201.

Allele frequency attached by ClinVar (database versions not stated): ESP Exome Variant Server 0.01599; gnomAD 0.02242 and 0.02483; gnomAD exomes 0.03539 and 0.02734; 1000 Genomes Project 0.04653; 1000 Genomes Project 30x 0.04528; ExAC 0.03406; TOPMed 0.02378.

Submissions (8):

Labcorp Genetics (formerly Invitae), Labcorp
Classification: Benign for Benign neonatal seizures. Last evaluated: 2026-02-03. Review status: criteria provided, single submitter. Criteria: Invitae Variant Classification Sherloc (09022015). Collection method: clinical testing. Allele origin: germline.

Mayo Clinic Laboratories, Mayo Clinic
Classification: Benign. Last evaluated: 2018-04-10. Review status: criteria provided, single submitter. Criteria: ACMG Guidelines, 2015. Collection method: clinical testing. Allele origin: germline. Observed: 28 variant alleles.

Illumina Laboratory Services, Illumina
Classification: Benign for Seizures, benign familial neonatal, 2. Last evaluated: 2018-01-13. Review status: criteria provided, single submitter. Criteria: ICSL Variant Classification Criteria 13 December 2019. Collection method: clinical testing. Allele origin: germline.
Comment: This variant was observed in the ICSL laboratory as part of a predisposition screen in an ostensibly healthy population. It had not been previously curated by ICSL or reported in the Human Gene Mutation Database (HGMD: prior to June 1st, 2018), and was therefore a candidate for classification through an automated scoring system. Utilizing variant allele frequency, disease prevalence and penetrance estimates, and inheritance mode, an automated score was calculated to assess if this variant is too frequent to cause the disease. Based on the score and internal cut-off values, a variant classified as benign is not then subjected to further curation. The score for this variant resulted in a classification of benign for this disease.

Ambry Genetics
Classification: Benign for Inborn genetic diseases. Last evaluated: 2016-04-15. Review status: criteria provided, single submitter. Criteria: Ambry Variant Classification Scheme 2023. Collection method: clinical testing. Allele origin: germline.

GeneDx
Classification: Benign. Last evaluated: 2012-02-17. Review status: criteria provided, single submitter. Criteria: GeneDx Variant Classification (06012015). Collection method: clinical testing. Allele origin: germline. Affected: yes.
Comment: This variant is considered likely benign or benign based on one or more of the following criteria: it is a conservative change, it occurs at a poorly conserved position in the protein, it is predicted to be benign by multiple in silico algorithms, and/or has population frequency not consistent with disease.

Breakthrough Genomics
Classification: Benign. Review status: criteria provided, single submitter. Criteria: ACMG Guidelines, 2015. Collection method: not provided. Allele origin: germline. Inheritance: Autosomal dominant inheritance. Affected: yes.

GeneReviews
No classification provided. Condition: Seizures, benign familial neonatal, 2. Review status: no classification provided. Collection method: literature only. Allele origin: unknown. Not counted in ClinVar's aggregate classification.

Genetic Services Laboratory, University of Chicago
Classification: Likely benign for AllHighlyPenetrant. Review status: no assertion criteria provided. Collection method: clinical testing. Allele origin: germline. Inheritance: Autosomal dominant inheritance. Not counted in ClinVar's aggregate classification.
Comment: Likely benign based on allele frequency in 1000 Genomes Project or ESP global frequency and its presence in a patient with a rare or unrelated disease phenotype. NOT Sanger confirmed.

Literature cited by the submitters: PubMed 20437616 (cited by GeneReviews); NCBI Bookshelf NBK32534 (cited by GeneReviews).

NM_004519.4(KCNQ3):c.1241A>G (p.Glu414Gly)

Gene: KCNQ3 (potassium voltage-gated channel subfamily Q member 3; minus strand). Cytogenetic location: 8q24.22.
Variant type: single nucleotide variant.
Coding change: c.1241A>G on transcript NM_004519.4 (MANE Select); coding-DNA position 1241, A replaced by G.
Protein change: p.Glu414Gly; replaces glutamic acid 414 with glycine.
Molecular consequence: missense variant.
Genome position (GRCh38, 1-based): chr8:132,163,489, T>C on the plus strand (A>G on the coding strand, the complement: KCNQ3 is on the minus strand). VCF-style: chr8-132163489-T-C. GRCh37 (hg19) VCF-style: chr8-133175736-T-C.
Other names: p.E414G:GAA>GGA; c.881A>G, p.Glu294Gly (NM_001204824.2); short protein forms E414G, E294G.
Identifiers: ClinVar variation 21409 (VCV000021409.28), dbSNP rs2303995, ClinGen allele CA288943.
Genomic context (GRCh38, chr8:132,163,489, plus strand): 5'-CAGAGATGTGAAGAAGGGAATTCATAATCAGAAACTTACCTGGATGCTGCCTCCAGCTGT[T>C]CTTTCCTAGAAAGAGAAGAGGGAGAAAAAATAAAGCATAAATTACGTGAAACAGCTGTAT-3'
Protein context (NP_004510.1, residues 404-424): SVVSFPFFRK[Glu414Gly]QLEAASSQKL